The following is an entry in ClinVar:

ClinVar aggregate classification (germline): Uncertain significance (1 of 4 stars; one submission).

Conditions:
Hereditary spastic paraplegia 39 (SPG39). Also called: Spastic Paraplegia Type 39 (SPG39); SPASTIC PARAPLEGIA 39, AUTOSOMAL RECESSIVE. Identifiers: Orphanet 139480, MedGen C2677586, MONDO:0012787, OMIM 612020.

Allele frequency attached by ClinVar (database versions not stated): gnomAD exomes below 0.00001.

Submission:

Labcorp Genetics (formerly Invitae), Labcorp
Classification: Uncertain significance for Hereditary spastic paraplegia 39. Last evaluated: 2022-05-24. Review status: criteria provided, single submitter. Criteria: Invitae Variant Classification Sherloc (09022015). Collection method: clinical testing. Allele origin: germline.
Comment: This variant is not present in population databases (gnomAD no frequency). This sequence change replaces arginine, which is basic and polar, with glutamine, which is neutral and polar, at codon 36 of the PNPLA6 protein (p.Arg36Gln). This variant has not been reported in the literature in individuals affected with PNPLA6-related conditions. Algorithms developed to predict the effect of missense changes on protein structure and function are either unavailable or do not agree on the potential impact of this missense change (SIFT: "Tolerated"; PolyPhen-2: "Possibly Damaging"; Align-GVGD: "Class C0"). In summary, the available evidence is currently insufficient to determine the role of this variant in disease. Therefore, it has been classified as a Variant of Uncertain Significance.

NM_001166114.2(PNPLA6):c.224G>A (p.Arg75Gln)

Gene: PNPLA6 (patatin like domain 6, lysophospholipase; plus strand). Cytogenetic location: 19p13.2.
Variant type: single nucleotide variant.
Coding change: c.224G>A on transcript NM_001166114.2 (MANE Select); coding-DNA position 224, G replaced by A.
Protein change: p.Arg75Gln; replaces arginine 75 with glutamine.
Molecular consequence: missense variant.
Genome position (GRCh38, 1-based): chr19:7,536,012, G>A. VCF-style: chr19-7536012-G-A. GRCh37 (hg19) VCF-style: chr19-7600898-G-A.
Other names: c.251G>A, p.Arg84Gln (NM_001166111.2); c.107G>A, p.Arg36Gln (NM_001166112.2, NM_001166113.1, NM_006702.5); short protein forms R84Q, R75Q, R36Q.
Identifiers: ClinVar variation 2130511 (VCV002130511.4), dbSNP rs2512486752, ClinGen allele CA403096944.
Genomic context (GRCh38, chr19:7,536,012, plus strand): 5'-GGGCCGGAGTGGCGGTGGTGGTCACGGCCGTGCTCATCCTCCTGGTGGTGCGGAGGCTGC[G>A]AGTGCCAAGTGAGCACCCGAGGGGCCCCTCTTGGGAGGCTGTATGGTGGGGGGCCCAAAT-3'
Protein context (NP_001159586.1, residues 65-85): VLILLVVRRL[Arg75Gln]VPKTPAPDGP